The following is an entry in ClinVar:

NM_021939.4(FKBP10):c.821A>T (p.Glu274Val)

Gene: FKBP10 (FKBP prolyl isomerase 10; plus strand). Cytogenetic location: 17q21.2.
Variant type: single nucleotide variant.
Coding change: c.821A>T on transcript NM_021939.4 (MANE Select); coding-DNA position 821, A replaced by T.
Protein change: p.Glu274Val; replaces glutamic acid 274 with valine.
Molecular consequence: missense variant.
Genome position (GRCh38, 1-based): chr17:41,819,303, A>T. VCF-style: chr17-41819303-A-T. GRCh37 (hg19) VCF-style: chr17-39975555-A-T.
Other names: short protein forms E274V.
Identifiers: ClinVar variation 3607873 (VCV003607873.2).

ClinVar aggregate classification (germline): Uncertain significance (1 of 4 stars; one submission).

Submission:

Labcorp Genetics (formerly Invitae), Labcorp
Classification: Uncertain significance. Last evaluated: 2025-06-04. Review status: criteria provided, single submitter. Criteria: Invitae Variant Classification Sherloc (09022015). Collection method: clinical testing. Allele origin: germline.
Comment: This sequence change replaces glutamic acid, which is acidic and polar, with valine, which is neutral and non-polar, at codon 274 of the FKBP10 protein (p.Glu274Val). This variant is not present in population databases (gnomAD no frequency). This variant has not been reported in the literature in individuals affected with FKBP10-related conditions. ClinVar contains an entry for this variant (Variation ID: 3607873). Invitae Evidence Modeling of protein sequence and biophysical properties (such as structural, functional, and spatial information, amino acid conservation, physicochemical variation, residue mobility, and thermodynamic stability) indicates that this missense variant is not expected to disrupt FKBP10 protein function with a negative predictive value of 80%. In summary, the available evidence is currently insufficient to determine the role of this variant in disease. Therefore, it has been classified as a Variant of Uncertain Significance.